The following is an entry in ClinVar:

NM_176869.3(PPA2):c.869+1G>C

Gene: PPA2 (inorganic pyrophosphatase 2; minus strand). Cytogenetic location: 4q24.
Variant type: single nucleotide variant.
Coding change: c.869+1G>C on transcript NM_176869.3 (MANE Select); the canonical splice donor site of the intron after coding-DNA position 869, G replaced by C.
Molecular consequence: splice donor variant.
Genome position (GRCh38, 1-based): chr4:105,396,248, C>G on the plus strand (G>C on the coding strand, the complement: PPA2 is on the minus strand). VCF-style: chr4-105396248-C-G. GRCh37 (hg19) VCF-style: chr4-106317405-C-G.
Other names: c.371+1G>C (NM_176867.3); c.563+1G>C (NM_176866.2); c.782+1G>C (NM_006903.4).
Identifiers: ClinVar variation 2128343 (VCV002128343.4), dbSNP rs1295033479, ClinGen allele CA357789035.

ClinVar aggregate classification (germline): Uncertain significance (1 of 4 stars; one submission).

gnomAD v4.1: 1 of 1,546,996 alleles (0.000065%); no homozygotes.

Submission:

Labcorp Genetics (formerly Invitae), Labcorp
Classification: Uncertain significance. Last evaluated: 2022-04-20. Review status: criteria provided, single submitter. Criteria: Invitae Variant Classification Sherloc (09022015). Collection method: clinical testing. Allele origin: germline.
Comment: This sequence change affects a donor splice site in intron 9 of the PPA2 gene. It is expected to disrupt RNA splicing. Variants that disrupt the donor or acceptor splice site typically lead to a loss of protein function (PMID: 16199547), however the current clinical and genetic evidence is not sufficient to establish whether loss-of-function variants in PPA2 cause disease. In summary, the available evidence is currently insufficient to determine the role of this variant in disease. Therefore, it has been classified as a Variant of Uncertain Significance. Algorithms developed to predict the effect of sequence changes on RNA splicing suggest that this variant may disrupt the consensus splice site. This variant has not been reported in the literature in individuals affected with PPA2-related conditions. This variant is not present in population databases (gnomAD no frequency).

Literature cited by the submitters: PubMed 16199547.